The following is an entry in ClinVar:

NM_172107.4(KCNQ2):c.984C>G (p.His328Gln)

Gene: KCNQ2 (potassium voltage-gated channel subfamily Q member 2; minus strand). Cytogenetic location: 20q13.33.
Variant type: single nucleotide variant.
Coding change: c.984C>G on transcript NM_172107.4 (MANE Select); coding-DNA position 984, C replaced by G.
Protein change: p.His328Gln; replaces histidine 328 with glutamine.
Molecular consequence: missense variant.
Genome position (GRCh38, 1-based): chr20:63,438,664, G>C on the plus strand (C>G on the coding strand, the complement: KCNQ2 is on the minus strand). VCF-style: chr20-63438664-G-C. GRCh37 (hg19) VCF-style: chr20-62070017-G-C.
Other names: c.984C>G, p.His328Gln (NM_001382235.1, NM_001439003.1, NM_001439004.1 and 4 more transcripts); short protein forms H328Q.
Identifiers: ClinVar variation 5002893 (VCV005002893.1).
Genomic context (GRCh38, chr20:63,438,664, plus strand): 5'-CCGGGGGACACCTGGACTCACCTGGATCAGGCCTGCTGCCGGGTTCCGCCTCTTCTCAAA[G>C]TGCTTCTGCCTGTGCTGCTCCTGAACCTTCAGGGCAAACCCAGACCCCAAGATGCCCTGC-3'
Protein context (NP_742105.1, residues 318-338): LKVQEQHRQK[His328Gln]FEKRRNPAAG

ClinVar aggregate classification (germline): Likely pathogenic (1 of 4 stars; one submission).

Conditions:
Seizures, benign familial neonatal, 1. Also called: Benign Neonatal Epilepsy 1; KCNQ2-Related Self-Limited Familial Neonatal Epilepsy (SLFNE); Seizures, benign neonatal, 1; KCNQ2-Related Benign Familial Neonatal Epilepsy. Identifiers: Orphanet 1949, MedGen C3149074, MONDO:0007365, OMIM 121200.

Submission:

OLLIN Analises Genomicas, OLLIN
Classification: Likely pathogenic for Seizures, benign familial neonatal, 1. Last evaluated: 2026-08-06. Review status: criteria provided, single submitter. Criteria: ACMG Guidelines 2015 PMID 25741868. Collection method: clinical testing. Allele origin: germline. Inheritance: Autosomal dominant inheritance.
Comment: This missense variant, located in exon 7 (of 17), is absent from gnomAD and ClinVar and has not been identified in the literature. In silico analysis predicts that this variant has a deleterious effect. This variant is located in a region considered to be a mutational hotspot. Another pathogenic variant affecting the same amino acid residue has been reported. This gene is constrained for missense variation. According to the currently available evidence, this variant has been classified as likely pathogenic (PM1, PM2_P, PM5, PP2, PP3).